The following is an entry in ClinVar:

NM_004006.3(DMD):c.4940C>T (p.Thr1647Met)

Gene: DMD (dystrophin; minus strand). Cytogenetic location: Xp21.1.
Variant type: single nucleotide variant.
Coding change: c.4940C>T on transcript NM_004006.3 (MANE Select); coding-DNA position 4940, C replaced by T.
Protein change: p.Thr1647Met; replaces threonine 1647 with methionine.
Molecular consequence: missense variant.
Genome position (GRCh38, 1-based): chrX:32,365,105, G>A on the plus strand (C>T on the coding strand, the complement: DMD is on the minus strand). VCF-style: chrX-32365105-G-A. GRCh37 (hg19) VCF-style: chrX-32383222-G-A.
Other names: c.4916C>T, p.Thr1639Met (NM_000109.4); c.4928C>T, p.Thr1643Met (NM_004009.3); c.4571C>T, p.Thr1524Met (NM_004010.3); c.917C>T, p.Thr306Met (NM_004011.4); c.908C>T, p.Thr303Met (NM_004012.4); short protein forms T1639M, T303M, T1524M, T1647M, T306M, T1643M.
Identifiers: ClinVar variation 744957 (VCV000744957.16), dbSNP rs148868095, ClinGen allele CA10378819.
Genomic context (GRCh38, chrX:32,365,105, plus strand): 5'-GCTCGGGAGGTGACAGCTATCCAGTTACTATTCAGAAGACTGAGTTTATCTTCCACCAAC[G>A]TCTCCTTCTTGCCCAAAACTGTTTTCAAGGCCTCTCCTACCTCTGTGATACTCTTCAGGT-3'
Protein context (NP_003997.2, residues 1637-1657): ALKTVLGKKE[Thr1647Met]LVEDKLSLLN

ClinVar aggregate classification (germline): Benign/Likely benign. Review status: criteria provided, multiple submitters, no conflicts (2 of 4 stars). 3 submissions from 3 submitters: Benign (1); Likely benign (1). 1 of the submissions does not count toward it. Last evaluated 2025-12-31.

Conditions:
Cardiovascular phenotype. Identifiers: MedGen CN230736.
Duchenne muscular dystrophy (DMD). Also called: MUSCULAR DYSTROPHY, PSEUDOHYPERTROPHIC PROGRESSIVE, DUCHENNE TYPE; Duchenne Muscular Dystrophy (DMD). Identifiers: Orphanet 98896, MedGen C0013264, MONDO:0010679, OMIM 310200.
DMD-related disorder. Also called: DMD-related condition.

Allele frequency attached by ClinVar (database versions not stated): gnomAD exomes 0.00001 and 0.00004; ExAC 0.00005; TOPMed 0.00005; gnomAD 0.00008 and 0.00009; ESP Exome Variant Server 0.00009.
gnomAD v4.1: 20 of 1,208,089 alleles (0.0017%); highest among the groups gnomAD compares: African/African-American, 0.011%; no homozygotes.

Submissions (3):

Labcorp Genetics (formerly Invitae), Labcorp
Classification: Benign for Duchenne muscular dystrophy. Last evaluated: 2025-12-31. Review status: criteria provided, single submitter. Criteria: Invitae Variant Classification Sherloc (09022015). Collection method: clinical testing. Allele origin: germline.

Ambry Genetics
Classification: Likely benign for Cardiovascular phenotype. Last evaluated: 2023-05-01. Review status: criteria provided, single submitter. Criteria: Ambry Variant Classification Scheme 2023. Collection method: clinical testing. Allele origin: germline.

PreventionGenetics, part of Exact Sciences
Classification: Likely benign for DMD-related condition. Last evaluated: 2022-09-08. Review status: no assertion criteria provided. Collection method: clinical testing. Allele origin: germline. Not counted in ClinVar's aggregate classification.
Comment: This variant is classified as likely benign based on ACMG/AMP sequence variant interpretation guidelines (Richards et al. 2015 PMID: 25741868, with internal and published modifications).